The following is an entry in ClinVar:

NM_002617.4(PEX10):c.209G>T (p.Gly70Val)

Gene: PEX10 (peroxisomal biogenesis factor 10; minus strand). Cytogenetic location: 1p36.32.
Variant type: single nucleotide variant.
Coding change: c.209G>T on transcript NM_002617.4 (MANE Select); coding-DNA position 209, G replaced by T.
Protein change: p.Gly70Val; replaces glycine 70 with valine.
Molecular consequence: missense variant. On other transcripts: 5 prime UTR variant (2), non-coding transcript variant (1).
Genome position (GRCh38, 1-based): chr1:2,408,843, C>A on the plus strand (G>T on the coding strand, the complement: PEX10 is on the minus strand). VCF-style: chr1-2408843-C-A. GRCh37 (hg19) VCF-style: chr1-2340282-C-A.
Other names: c.209G>T, p.Gly70Val (NM_001374425.1, NM_153818.2); c.-224G>T (NM_001374426.1, NM_001374427.1); short protein forms G70V.
Identifiers: ClinVar variation 1046067 (VCV001046067.2), dbSNP rs1643096230, ClinGen allele CA337989106.

ClinVar aggregate classification (germline): Uncertain significance (1 of 4 stars; one submission).

Conditions:
Peroxisome biogenesis disorder, complementation group 7 (CG7). Also called: Peroxisome biogenesis disorder, complementation group B. Identifiers: MedGen C1864399.

Submission:

Labcorp Genetics (formerly Invitae), Labcorp
Classification: Uncertain significance for Peroxisome biogenesis disorder, complementation group 7. Last evaluated: 2022-05-21. Review status: criteria provided, single submitter. Criteria: Invitae Variant Classification Sherloc (09022015). Collection method: clinical testing. Allele origin: germline.
Comment: This sequence change replaces glycine, which is neutral and non-polar, with valine, which is neutral and non-polar, at codon 70 of the PEX10 protein (p.Gly70Val). This variant is not present in population databases (gnomAD no frequency). This variant has not been reported in the literature in individuals affected with PEX10-related conditions. ClinVar contains an entry for this variant (Variation ID: 1046067). Algorithms developed to predict the effect of missense changes on protein structure and function (SIFT, PolyPhen-2, Align-GVGD) all suggest that this variant is likely to be disruptive. In summary, the available evidence is currently insufficient to determine the role of this variant in disease. Therefore, it has been classified as a Variant of Uncertain Significance.